The following is an entry in ClinVar:

ClinVar aggregate classification (germline): Uncertain significance (1 of 4 stars; one submission).

Allele frequency attached by ClinVar (database versions not stated): gnomAD exomes 0.00002; TOPMed 0.00002; gnomAD 0.00004.
gnomAD v4.1: 30 of 1,612,026 alleles (0.0019%); highest among the groups gnomAD compares: Middle Eastern, 0.016%; no homozygotes.

Submission:

GeneDx
Classification: Uncertain significance. Last evaluated: 2022-07-11. Review status: criteria provided, single submitter. Criteria: GeneDx Variant Classification Process June 2021. Collection method: clinical testing. Allele origin: germline. Affected: yes.
Comment: In silico analysis supports that this missense variant does not alter protein structure/function; Has not been previously published as pathogenic or benign to our knowledge

NM_133433.4(NIPBL):c.3966C>G (p.Asn1322Lys)

Gene: NIPBL (NIPBL cohesin loading factor; plus strand). Cytogenetic location: 5p13.2.
Variant type: single nucleotide variant.
Coding change: c.3966C>G on transcript NM_133433.4 (MANE Select); coding-DNA position 3966, C replaced by G.
Protein change: p.Asn1322Lys; replaces asparagine 1322 with lysine.
Molecular consequence: missense variant.
Genome position (GRCh38, 1-based): chr5:37,006,467, C>G. VCF-style: chr5-37006467-C-G. GRCh37 (hg19) VCF-style: chr5-37006569-C-G.
Other names: c.3966C>G, p.Asn1322Lys (NM_015384.5); short protein forms N1322K.
Identifiers: ClinVar variation 1878743 (VCV001878743.1), dbSNP rs1229109955, ClinGen allele CA359524231.
Genomic context (GRCh38, chr5:37,006,467, plus strand): 5'-GAGAGTTACAAAATCAGCGGATGCTTGTCTTACAACTATCAACATTATGACATCCCCTAA[C>G]ATGCCAAAAGCTGTGTACATTGAGGATGTAATTGAAAGAGTTATACAGTACACTAAATTT-3'
Protein context (NP_597677.2, residues 1312-1332): LTTINIMTSP[Asn1322Lys]MPKAVYIEDV